The following is an entry in ClinVar:

ClinVar aggregate classification (germline): Conflicting classifications of pathogenicity. Review status: criteria provided, conflicting classifications (1 of 4 stars). 4 submissions from 4 submitters: Likely pathogenic (2); Uncertain significance (2). Last evaluated 2025-06-23.

Conditions:
Fatal mitochondrial disease due to combined oxidative phosphorylation defect type 3. Also called: Combined oxidative phosphorylation deficiency 3; ENCEPHALOMYOPATHY, RESPIRATORY FAILURE, AND LACTIC ACIDOSIS. Identifiers: Orphanet 168566, MedGen C1864840, MONDO:0012512, OMIM 610505.

Allele frequency attached by ClinVar (database versions not stated): TOPMed 0.00002.
gnomAD v4.1: 5 of 1,610,540 alleles (0.00031%); highest among the groups gnomAD compares: Non-Finnish European, 0.00034%; no homozygotes.

Submissions (4):

Natera, Inc.
Classification: Likely pathogenic for Combined oxidative phosphorylation deficiency 3. Last evaluated: 2025-06-23. Review status: criteria provided, single submitter. Criteria: Natera Variant Classification Schema (03/2026). Collection method: clinical testing. Allele origin: germline.
Comment: The c.782G>C variant in TSFM is a missense variant predicted to cause substitution of cysteine to serine at amino acid 261. This variant is rare in the general population with a frequency below the threshold expected for the associated phenotype(s). This variant has been observed in one or more individuals affected with the associated recessive disease, as either homozygous or compound heterozygous with a second variant (PMID: 38465286, 34440436, 31683770). Functional studies show that this variant may disrupt protein function (PMID: 27677415). Given the available evidence, this variant is classified as Likely Pathogenic.

Baylor Genetics
Classification: Likely pathogenic for Fatal mitochondrial disease due to combined oxidative phosphorylation defect type 3. Last evaluated: 2023-12-15. Review status: criteria provided, single submitter. Criteria: ACMG Guidelines, 2015. Collection method: clinical testing. Allele origin: unknown.

Blueprint Genetics
Classification: Uncertain significance. Last evaluated: 2022-09-16. Review status: criteria provided, single submitter. Criteria: ACMG Guidelines, 2015. Collection method: clinical testing. Allele origin: germline.

Labcorp Genetics (formerly Invitae), Labcorp
Classification: Uncertain significance. Last evaluated: 2022-09-09. Review status: criteria provided, single submitter. Criteria: Invitae Variant Classification Sherloc (09022015). Collection method: clinical testing. Allele origin: germline.
Comment: This sequence change replaces cysteine, which is neutral and slightly polar, with serine, which is neutral and polar, at codon 261 of the TSFM protein (p.Cys261Ser). This variant is present in population databases (rs750799705, gnomAD 0.0009%). This missense change has been observed in individual(s) with combined oxidative phosphorylation deficiency (PMID: 27677415). Advanced modeling of protein sequence and biophysical properties (such as structural, functional, and spatial information, amino acid conservation, physicochemical variation, residue mobility, and thermodynamic stability) performed at Invitae indicates that this missense variant is not expected to disrupt TSFM protein function. Experimental studies have shown that this missense change affects TSFM function (PMID: 27677415). In summary, the available evidence is currently insufficient to determine the role of this variant in disease. Therefore, it has been classified as a Variant of Uncertain Significance.

Literature cited by the submitters: PubMed 38465286 (cited by Natera, Inc.); PubMed 34440436 (cited by Natera, Inc.); PubMed 31683770 (cited by Natera, Inc.); PubMed 27677415 (cited by Natera, Inc. and Labcorp Genetics (formerly Invitae), Labcorp).

NM_005726.6(TSFM):c.719G>C (p.Cys240Ser)

Gene: TSFM (Ts translation elongation factor, mitochondrial; plus strand). Cytogenetic location: 12q14.1.
Variant type: single nucleotide variant.
Coding change: c.719G>C on transcript NM_005726.6 (MANE Select); coding-DNA position 719, G replaced by C.
Protein change: p.Cys240Ser; replaces cysteine 240 with serine.
Molecular consequence: missense variant. On other transcripts: 3 prime UTR variant (1), intron variant (1).
Genome position (GRCh38, 1-based): chr12:57,796,324, G>C. VCF-style: chr12-57796324-G-C. GRCh37 (hg19) VCF-style: chr12-58190107-G-C.
Other names: c.*127G>C (NM_001172695.2); c.782G>C, p.Cys261Ser (NM_001172696.2); c.571+3251G>C (NM_001172697.2); c.782G>C (NM_001172696.1); short protein forms C240S, C261S.
Identifiers: ClinVar variation 2137384 (VCV002137384.5), dbSNP rs750799705, ClinGen allele CA237837665.